The following is an entry in ClinVar:

NM_001735.3(C5):c.3441del (p.Phe1147fs)

Gene: C5 (complement C5; minus strand). Cytogenetic location: 9q33.2.
Variant type: Deletion.
Coding change: c.3441del on transcript NM_001735.3 (MANE Select); coding-DNA position 3441, one base deleted (T; older notation c.3441delT).
Protein change: p.Phe1147fs; shifts the reading frame from phenylalanine 1147.
Molecular consequence: frameshift variant.
Genome position (GRCh38, 1-based): chr9:120,981,889, A deleted on the plus strand (T on the coding strand, the reverse complement: C5 is on the minus strand); the first of 3 consecutive A bases (chr9:120,981,889-120,981,891); deleting any one gives the same sequence. VCF-style (leftmost placement, unchanged base first): chr9-120981888-TA-T. GRCh37 (hg19) VCF-style: chr9-123744166-TA-T.
Other names: c.3459del, p.Phe1153fs (NM_001317163.2); short protein forms F1147fs, F1153fs.
Identifiers: ClinVar variation 1350897 (VCV001350897.6), dbSNP rs755068898, ClinGen allele CA5217475.

ClinVar aggregate classification (germline): Pathogenic (1 of 4 stars; one submission).

Submission:

Labcorp Genetics (formerly Invitae), Labcorp
Classification: Pathogenic. Last evaluated: 2024-06-30. Review status: criteria provided, single submitter. Criteria: Invitae Variant Classification Sherloc (09022015). Collection method: clinical testing. Allele origin: germline.
Comment: This sequence change creates a premature translational stop signal (p.Phe1147Leufs*3) in the C5 gene. It is expected to result in an absent or disrupted protein product. Loss-of-function variants in C5 are known to be pathogenic (PMID: 7730648, 19414197, 27026170). This variant is present in population databases (rs755068898, gnomAD 0.01%). This variant has not been reported in the literature in individuals affected with C5-related conditions. ClinVar contains an entry for this variant (Variation ID: 1350897). For these reasons, this variant has been classified as Pathogenic.

Literature cited by the submitters: PubMed 7730648; PubMed 19414197; PubMed 27026170.